The following is an entry in ClinVar:

NM_005751.5(AKAP9):c.4814C>T (p.Thr1605Met)

Gene: AKAP9 (A-kinase anchoring protein 9; plus strand). Cytogenetic location: 7q21.2.
Variant type: single nucleotide variant.
Coding change: c.4814C>T on transcript NM_005751.5 (MANE Select); coding-DNA position 4814, C replaced by T.
Protein change: p.Thr1605Met; replaces threonine 1605 with methionine.
Molecular consequence: missense variant.
Genome position (GRCh38, 1-based): chr7:92,040,795, C>T. VCF-style: chr7-92040795-C-T. GRCh37 (hg19) VCF-style: chr7-91670109-C-T.
Other names: p.T1605M:ACG>ATG; c.4814C>T, p.Thr1605Met (NM_147185.3); short protein forms T1605M.
Identifiers: ClinVar variation 190483 (VCV000190483.15), dbSNP rs777627168, ClinGen allele CA300602.

ClinVar aggregate classification (germline): Conflicting classifications of pathogenicity. Review status: criteria provided, conflicting classifications (1 of 4 stars). 4 submissions from 4 submitters: Uncertain significance (3); Benign (1). Last evaluated 2025-07-27.

Conditions:
Cardiovascular phenotype. Identifiers: MedGen CN230736.
Long QT syndrome (LQTS). Identifiers: MedGen C0023976, MeSH D008133, MONDO:0002442. Disease mechanism: loss of function. Inheritance: Various modes of inheritance.

Allele frequency attached by ClinVar (database versions not stated): TOPMed 0.00003; ExAC 0.00003; gnomAD exomes 0.00006; gnomAD 0.00001.
gnomAD v4.1: 28 of 1,613,528 alleles (0.0017%); highest among the groups gnomAD compares: East Asian, 0.042%; no homozygotes.

Submissions (4):

Labcorp Genetics (formerly Invitae), Labcorp
Classification: Uncertain significance for Long QT syndrome. Last evaluated: 2025-07-27. Review status: criteria provided, single submitter. Criteria: Invitae Variant Classification Sherloc (09022015). Collection method: clinical testing. Allele origin: germline.
Comment: This sequence change replaces threonine, which is neutral and polar, with methionine, which is neutral and non-polar, at codon 1605 of the AKAP9 protein (p.Thr1605Met). This variant is present in population databases (rs777627168, gnomAD 0.07%), and has an allele count higher than expected for a pathogenic variant. This variant has not been reported in the literature in individuals affected with AKAP9-related conditions. ClinVar contains an entry for this variant (Variation ID: 190483). An algorithm developed to predict the effect of missense changes on protein structure and function outputs the following: PolyPhen-2: "Benign". The methionine amino acid residue is found in multiple mammalian species, which suggests that this missense change does not adversely affect protein function. In summary, the available evidence is currently insufficient to determine the role of this variant in disease. Therefore, it has been classified as a Variant of Uncertain Significance.

Ambry Genetics
Classification: Benign for Cardiovascular phenotype. Last evaluated: 2025-03-28. Review status: criteria provided, single submitter. Criteria: Ambry Variant Classification Scheme 2023. Collection method: clinical testing. Allele origin: germline.

GeneDx
Classification: Uncertain significance. Last evaluated: 2023-10-26. Review status: criteria provided, single submitter. Criteria: GeneDx Variant Classification Process June 2021. Collection method: clinical testing. Allele origin: germline. Affected: yes.
Comment: Has not been previously published as pathogenic or benign to our knowledge; In silico analysis supports that this missense variant does not alter protein structure/function

Stanford Center for Inherited Cardiovascular Disease, Stanford University
Classification: Uncertain significance. Last evaluated: 2017-08-01. Review status: criteria provided, single submitter. Criteria: ACMG Guidelines, 2015. Collection method: provider interpretation. Allele origin: germline.